The following is an entry in ClinVar:

ClinVar aggregate classification (germline): Pathogenic (1 of 4 stars; one submission).

Conditions:
Multiple congenital anomalies-hypotonia-seizures syndrome 1 (MCAHS1). Also called: PIGN-CDG; Congenital disorder of glycosylation due to PIGN deficiency; GLYCOSYLPHOSPHATIDYLINOSITOL BIOSYNTHESIS DEFECT 3. Identifiers: Orphanet 280633, MedGen C3279775, MONDO:0013563, OMIM 614080.

Submission:

Labcorp Genetics (formerly Invitae), Labcorp
Classification: Pathogenic for Multiple congenital anomalies-hypotonia-seizures syndrome 1. Last evaluated: 2026-01-12. Review status: criteria provided, single submitter. Criteria: Invitae Variant Classification Sherloc (09022015). Collection method: clinical testing. Allele origin: germline.
Comment: This sequence change creates a premature translational stop signal (p.Met590*) in the PIGN gene. It is expected to result in an absent or disrupted protein product. Loss-of-function variants in PIGN are known to be pathogenic (PMID: 24253414, 27038415). This variant is not present in population databases (gnomAD no frequency). This variant has not been reported in the literature in individuals affected with PIGN-related conditions. This variant is also known as c.1767+1del. ClinVar contains an entry for this variant (Variation ID: 2084420). Algorithms developed to predict the effect of sequence changes on RNA splicing suggest that this variant may disrupt the consensus splice site. For these reasons, this variant has been classified as Pathogenic.

Literature cited by the submitters: PubMed 24253414; PubMed 27038415.

NM_176787.5(PIGN):c.1767+1del

Gene: PIGN (phosphatidylinositol glycan anchor biosynthesis class N; minus strand). Cytogenetic location: 18q21.33.
Variant type: Deletion.
Coding change: c.1767+1del on transcript NM_176787.5 (MANE Select); the canonical splice donor site of the intron after coding-DNA position 1767, one base deleted (G; older notation c.1767+1delG).
Molecular consequence: splice donor variant.
Genome position (GRCh38, 1-based): chr18:62,106,788, C deleted on the plus strand (G on the coding strand, the reverse complement: PIGN is on the minus strand); the first of 2 consecutive C bases (chr18:62,106,788-62,106,789); deleting either gives the same sequence. VCF-style (leftmost placement, unchanged base first): chr18-62106787-AC-A. GRCh37 (hg19) VCF-style: chr18-59774020-AC-A.
Other names: c.1767+1del (NM_012327.6).
Identifiers: ClinVar variation 2084420 (VCV002084420.4), dbSNP rs2512955971, ClinGen allele CA2580095979.
Genomic context (GRCh38, chr18:62,106,787, plus strand): 5'-TTACACATGTGTCAAAACAAAGTAGTTACTAATCTGTCCTATGTCAAAATGAGTACTCAT[AC>A]CTTTGCTCGAGTCCACAGCCGAGTGAGAAATGGCCAAGCTGCAAAGGCAGTAAGTCCAGC-3'